The following is an entry in ClinVar:

ClinVar aggregate classification (germline): Uncertain significance. Review status: criteria provided, multiple submitters, no conflicts (2 of 4 stars). 2 submissions from 2 submitters: Uncertain significance (2). Last evaluated 2025-11-08.

Conditions:
PRKD1-related disorder. Also called: PRKD1-related condition.

Submissions (2):

Ambry Genetics
Classification: Uncertain significance. Last evaluated: 2025-11-08. Review status: criteria provided, single submitter. Criteria: Ambry Variant Classification Scheme 2023. Collection method: clinical testing. Allele origin: germline.

PreventionGenetics, part of Exact Sciences
Classification: Uncertain significance for PRKD1-related condition. Last evaluated: 2023-05-25. Review status: criteria provided, single submitter. Criteria: ACMG Guidelines, 2015. Collection method: clinical testing. Allele origin: germline.
Comment: The PRKD1 c.1657C>T variant is predicted to result in the amino acid substitution p.Pro553Ser. To our knowledge, this variant has not been reported in the literature or in a large population database, indicating this variant is rare. At this time, the clinical significance of this variant is uncertain due to the absence of conclusive functional and genetic evidence.

NM_002742.3(PRKD1):c.1633C>T (p.Pro545Ser)

Gene: PRKD1 (protein kinase D1; minus strand). Cytogenetic location: 14q12.
Variant type: single nucleotide variant.
Coding change: c.1633C>T on transcript NM_002742.3 (MANE Select); coding-DNA position 1633, C replaced by T.
Protein change: p.Pro545Ser; replaces proline 545 with serine.
Molecular consequence: missense variant.
Genome position (GRCh38, 1-based): chr14:29,630,781, G>A on the plus strand (C>T on the coding strand, the complement: PRKD1 is on the minus strand). VCF-style: chr14-29630781-G-A. GRCh37 (hg19) VCF-style: chr14-30099987-G-A.
Other names: c.1657C>T, p.Pro553Ser (NM_001330069.2); c.1369C>T, p.Pro457Ser (NM_001348390.1); c.1633C>T (NM_002742.2); short protein forms P457S, P545S, P553S.
Identifiers: ClinVar variation 2628732 (VCV002628732.2), dbSNP rs2502557348, ClinGen allele CA389334864.